The following is an entry in ClinVar:

NM_005120.3(MED12):c.6239G>A (p.Arg2080Gln)

Gene: MED12 (mediator complex subunit 12; plus strand). Cytogenetic location: Xq13.1.
Variant type: single nucleotide variant.
Coding change: c.6239G>A on transcript NM_005120.3 (MANE Select); coding-DNA position 6239, G replaced by A.
Protein change: p.Arg2080Gln; replaces arginine 2080 with glutamine.
Molecular consequence: missense variant.
Genome position (GRCh38, 1-based): chrX:71,140,829, G>A. VCF-style: chrX-71140829-G-A. GRCh37 (hg19) VCF-style: chrX-70360679-G-A.
Other names: short protein forms R2080Q.
Identifiers: ClinVar variation 656112 (VCV000656112.9), dbSNP rs1602306967, ClinGen allele CA413540847.
Genomic context (GRCh38, chrX:71,140,829, plus strand): 5'-AGCAACAGCAGCAGCAGCAGCAACAGCAACAGCAGCAGCAGCAGCAGCAGTACCACATCC[G>A]GCAGCAGCAGCAGCAGCAGATCCTGCGGGTAAGGCACTGGGATTTCATCTGGGACCTGGG-3'
Protein context (NP_005111.2, residues 2070-2090): QQQQQQQYHI[Arg2080Gln]QQQQQQILRQ

ClinVar aggregate classification (germline): Uncertain significance (1 of 4 stars; one submission).

Conditions:
FG syndrome (FGS). Identifiers: MedGen C0220769, MONDO:0002010.

Allele frequency attached by ClinVar (database versions not stated): gnomAD exomes below 0.00001.

Submission:

Labcorp Genetics (formerly Invitae), Labcorp
Classification: Uncertain significance for FG syndrome. Last evaluated: 2025-06-09. Review status: criteria provided, single submitter. Criteria: Invitae Variant Classification Sherloc (09022015). Collection method: clinical testing. Allele origin: germline.
Comment: This sequence change replaces arginine, which is basic and polar, with glutamine, which is neutral and polar, at codon 2080 of the MED12 protein (p.Arg2080Gln). This variant is not present in population databases (gnomAD no frequency). This variant has not been reported in the literature in individuals affected with MED12-related conditions. ClinVar contains an entry for this variant (Variation ID: 656112). Invitae Evidence Modeling of protein sequence and biophysical properties (such as structural, functional, and spatial information, amino acid conservation, physicochemical variation, residue mobility, and thermodynamic stability) indicates that this missense variant is not expected to disrupt MED12 protein function with a negative predictive value of 95%. In summary, the available evidence is currently insufficient to determine the role of this variant in disease. Therefore, it has been classified as a Variant of Uncertain Significance.